The following is an entry in ClinVar:

ClinVar aggregate classification (germline): Uncertain significance (1 of 4 stars; one submission).

Conditions:
Long QT syndrome (LQTS). Identifiers: MedGen C0023976, MeSH D008133, MONDO:0002442. Disease mechanism: loss of function. Inheritance: Various modes of inheritance.

Allele frequency attached by ClinVar (database versions not stated): TOPMed below 0.00001; gnomAD 0.00001.
gnomAD v4.1: 1 of 1,614,106 alleles (0.000062%); highest among the groups gnomAD compares: Non-Finnish European, 0.000085%; no homozygotes.

Submission:

Labcorp Genetics (formerly Invitae), Labcorp
Classification: Uncertain significance for Long QT syndrome. Last evaluated: 2022-03-31. Review status: criteria provided, single submitter. Criteria: Invitae Variant Classification Sherloc (09022015). Collection method: clinical testing. Allele origin: germline.
Comment: This sequence change replaces glutamic acid, which is acidic and polar, with aspartic acid, which is acidic and polar, at codon 3291 of the AKAP9 protein (p.Glu3291Asp). This variant is not present in population databases (gnomAD no frequency). This variant has not been reported in the literature in individuals affected with AKAP9-related conditions. Algorithms developed to predict the effect of missense changes on protein structure and function are either unavailable or do not agree on the potential impact of this missense change (SIFT: "Deleterious"; PolyPhen-2: "Possibly Damaging"; Align-GVGD: "Class C0"). In summary, the available evidence is currently insufficient to determine the role of this variant in disease. Therefore, it has been classified as a Variant of Uncertain Significance.

NM_005751.5(AKAP9):c.9873A>T (p.Glu3291Asp)

Gene: AKAP9 (A-kinase anchoring protein 9; plus strand). Cytogenetic location: 7q21.2.
Variant type: single nucleotide variant.
Coding change: c.9873A>T on transcript NM_005751.5 (MANE Select); coding-DNA position 9873, A replaced by T.
Protein change: p.Glu3291Asp; replaces glutamic acid 3291 with aspartic acid.
Molecular consequence: missense variant.
Genome position (GRCh38, 1-based): chr7:92,096,832, A>T. VCF-style: chr7-92096832-A-T. GRCh37 (hg19) VCF-style: chr7-91726146-A-T.
Other names: c.4518A>T, p.Glu1506Asp (NM_001379277.1); c.9849A>T, p.Glu3283Asp (NM_147185.3); short protein forms E1506D, E3291D, E3283D.
Identifiers: ClinVar variation 2052367 (VCV002052367.4), dbSNP rs1160546372, ClinGen allele CA368151772.